The following is an entry in ClinVar:

NM_000218.3(KCNQ1):c.1849C>T (p.Leu617Phe)

Genes: KCNQ1 (potassium voltage-gated channel subfamily Q member 1; plus strand), KCNQ1-AS1 (KCNQ1 antisense RNA 1; minus strand). Cytogenetic location: 11p15.4.
Variant type: single nucleotide variant.
Coding change: c.1849C>T on transcript NM_000218.3 (MANE Select); coding-DNA position 1849, C replaced by T.
Protein change: p.Leu617Phe; replaces leucine 617 with phenylalanine.
Molecular consequence: missense variant.
Genome position (GRCh38, 1-based): chr11:2,847,821, C>T. VCF-style: chr11-2847821-C-T. GRCh37 (hg19) VCF-style: chr11-2869051-C-T.
Other names: p.Leu617Phe; c.1753C>T, p.Leu585Phe (NM_001406836.1); c.1579C>T, p.Leu527Phe (NM_001406837.1); c.1309C>T, p.Leu437Phe (NM_001406838.1); c.361C>T, p.Leu121Phe (NM_001406839.1); c.1468C>T, p.Leu490Phe (NM_181798.2); short protein forms L121F, L617F, L437F, L490F, L527F, L585F.
Identifiers: ClinVar variation 2163559 (VCV002163559.5), dbSNP rs1848362783, ClinGen allele CA379140289.
Genomic context (GRCh38, chr11:2,847,821, plus strand): 5'-CCGCAGGTGACGCAGCTGGACCAGAGGCTGGCACTCATCACCGACATGCTTCACCAGCTG[C>T]TCTCCTTGCACGGTGGCAGCACCCCCGGCAGCGGCGGCCCCCCCAGAGAGGGCGGGGCCC-3'
Protein context (NP_000209.2, residues 607-627): ALITDMLHQL[Leu617Phe]SLHGGSTPGS

ClinVar aggregate classification (germline): Uncertain significance. Review status: criteria provided, multiple submitters, no conflicts (2 of 4 stars). 3 submissions from 3 submitters: Uncertain significance (3). Last evaluated 2026-05-28.

Conditions:
Cardiovascular phenotype. Identifiers: MedGen CN230736.
Long QT syndrome (LQTS). Identifiers: MedGen C0023976, MeSH D008133, MONDO:0002442. Disease mechanism: loss of function. Inheritance: Various modes of inheritance.

Allele frequency attached by ClinVar (database versions not stated): gnomAD 0.00001; gnomAD exomes below 0.00001; TOPMed 0.00001.
gnomAD v4.1: 2 of 1,568,746 alleles (0.00013%); highest among the groups gnomAD compares: African/African-American, 0.0027%; no homozygotes.

Submissions (3):

Ambry Genetics
Classification: Uncertain significance for Cardiovascular phenotype. Last evaluated: 2026-05-28. Review status: criteria provided, single submitter. Criteria: Ambry Variant Classification Scheme 2023. Collection method: clinical testing. Allele origin: germline.
Comment: The p.L617F variant (also known as c.1849C>T), located in coding exon 16 of the KCNQ1 gene, results from a C to T substitution at nucleotide position 1849. The leucine at codon 617 is replaced by phenylalanine, an amino acid with highly similar properties. This amino acid position is conserved. In addition, the in silico prediction for this alteration is inconclusive. Based on the available evidence, the clinical significance of this variant remains unclear.

Labcorp Genetics (formerly Invitae), Labcorp
Classification: Uncertain significance for Long QT syndrome. Last evaluated: 2024-03-08. Review status: criteria provided, single submitter. Criteria: Invitae Variant Classification Sherloc (09022015). Collection method: clinical testing. Allele origin: germline.
Comment: This sequence change replaces leucine, which is neutral and non-polar, with phenylalanine, which is neutral and non-polar, at codon 617 of the KCNQ1 protein (p.Leu617Phe). This variant is not present in population databases (gnomAD no frequency). This variant has not been reported in the literature in individuals affected with KCNQ1-related conditions. ClinVar contains an entry for this variant (Variation ID: 2163559). Advanced modeling of protein sequence and biophysical properties (such as structural, functional, and spatial information, amino acid conservation, physicochemical variation, residue mobility, and thermodynamic stability) has been performed at Invitae for this missense variant, however the output from this modeling did not meet the statistical confidence thresholds required to predict the impact of this variant on KCNQ1 protein function. In summary, the available evidence is currently insufficient to determine the role of this variant in disease. Therefore, it has been classified as a Variant of Uncertain Significance.

Mayo Clinic Laboratories, Mayo Clinic
Classification: Uncertain significance. Last evaluated: 2024-01-26. Review status: criteria provided, single submitter. Criteria: ACMG Guidelines, 2015. Collection method: clinical testing. Allele origin: germline. Observed: 1 variant allele.
Comment: PM2